The following is an entry in ClinVar:

ClinVar aggregate classification (germline): Uncertain significance (1 of 4 stars; one submission).

Allele frequency attached by ClinVar (database versions not stated): TOPMed 0.00002.
gnomAD v4.1: 3 of 1,613,394 alleles (0.00019%); highest among the groups gnomAD compares: African/African-American, 0.004%; no homozygotes.

Submission:

GeneDx
Classification: Uncertain significance. Last evaluated: 2019-05-21. Review status: criteria provided, single submitter. Criteria: GeneDx Variant Classification Process June 2021. Collection method: clinical testing. Allele origin: germline. Affected: yes.
Comment: Not observed in large population cohorts (Lek et al., 2016); Missense variant in a gene in which most reported pathogenic variants are truncating/loss-of-function; Has not been previously published as pathogenic or benign to our knowledge

NM_001267550.2(TTN):c.75946G>A (p.Val25316Met)

Genes: TTN (titin; minus strand), TTN-AS1 (TTN antisense RNA 1; plus strand). Cytogenetic location: 2q31.2.
Variant type: single nucleotide variant.
Coding change: c.75946G>A on transcript NM_001267550.2 (MANE Select); coding-DNA position 75946, G replaced by A.
Protein change: p.Val25316Met; replaces valine 25316 with methionine.
Molecular consequence: missense variant.
Genome position (GRCh38, 1-based): chr2:178,570,186, C>T on the plus strand (G>A on the coding strand, the complement: TTN is on the minus strand). VCF-style: chr2-178570186-C-T. GRCh37 (hg19) VCF-style: chr2-179434913-C-T.
Other names: c.71023G>A, p.Val23675Met (NM_001256850.1); c.48751G>A, p.Val16251Met (NM_003319.4); c.68242G>A, p.Val22748Met (NM_133378.4); c.49126G>A, p.Val16376Met (NM_133432.3); c.49327G>A, p.Val16443Met (NM_133437.4); short protein forms V16251M, V16376M, V16443M, V22748M, V23675M, V25316M.
Identifiers: ClinVar variation 1208446 (VCV001208446.3), dbSNP rs908851465, ClinGen allele CA60994603.